The following is an entry in ClinVar:

NM_016169.4(SUFU):c.1004T>C (p.Leu335Pro)

Gene: SUFU (SUFU negative regulator of hedgehog signaling; plus strand). Cytogenetic location: 10q24.32.
Variant type: single nucleotide variant.
Coding change: c.1004T>C on transcript NM_016169.4 (MANE Select); coding-DNA position 1004, T replaced by C.
Protein change: p.Leu335Pro; replaces leucine 335 with proline.
Molecular consequence: missense variant.
Genome position (GRCh38, 1-based): chr10:102,599,526, T>C. VCF-style: chr10-102599526-T-C. GRCh37 (hg19) VCF-style: chr10-104359283-T-C.
Other names: c.1004T>C, p.Leu335Pro (NM_001178133.2); short protein forms L335P.
Identifiers: ClinVar variation 848140 (VCV000848140.10), dbSNP rs2063496437, ClinGen allele CA377911182.

ClinVar aggregate classification (germline): Uncertain significance (1 of 4 stars; one submission).

Conditions:
Gorlin syndrome. Also called: Nevoid Basal Cell Carcinoma Syndrome; Basal cell nevus syndrome. Identifiers: Orphanet 377, MedGen C0004779, MONDO:0007187.
Medulloblastoma (MDB). Also called: Medulloblastoma, somatic; MEDULLOBLASTOMA PREDISPOSITION SYNDROME. Identifiers: Orphanet 616, MedGen C0025149, MeSH D008527, MONDO:0007959, OMIM 155255, HP:0002885.

Allele frequency attached by ClinVar (database versions not stated): gnomAD exomes below 0.00001.
gnomAD v4.1: 1 of 1,614,162 alleles (0.000062%); highest among the groups gnomAD compares: East Asian, 0.0022%; no homozygotes.

Submission:

Labcorp Genetics (formerly Invitae), Labcorp
Classification: Uncertain significance for Gorlin syndrome; Medulloblastoma. Last evaluated: 2019-03-16. Review status: criteria provided, single submitter. Criteria: Invitae Variant Classification Sherloc (09022015). Collection method: clinical testing. Allele origin: germline.
Comment: This sequence change replaces leucine with proline at codon 335 of the SUFU protein (p.Leu335Pro). The leucine residue is moderately conserved and there is a moderate physicochemical difference between leucine and proline. In summary, the available evidence is currently insufficient to determine the role of this variant in disease. Therefore, it has been classified as a Variant of Uncertain Significance. Algorithms developed to predict the effect of missense changes on protein structure and function are either unavailable or do not agree on the potential impact of this missense change (SIFT: "Deleterious"; PolyPhen-2: "Benign"; Align-GVGD: "Class C0"). This variant has not been reported in the literature in individuals with SUFU-related conditions. This variant is not present in population databases (ExAC no frequency).